The following is an entry in ClinVar:

ClinVar aggregate classification (germline): Uncertain significance (1 of 4 stars; one submission).

Conditions:
Cardiovascular phenotype. Identifiers: MedGen CN230736.

Allele frequency attached by ClinVar (database versions not stated): gnomAD exomes below 0.00001; ExAC 0.00001.
gnomAD v4.1: 2 of 1,613,870 alleles (0.00012%); highest among the groups gnomAD compares: South Asian, 0.0011%; no homozygotes.

Submission:

Ambry Genetics
Classification: Uncertain significance for Cardiovascular phenotype. Last evaluated: 2016-08-03. Review status: criteria provided, single submitter. Criteria: Ambry Variant Classification Scheme 2023. Collection method: clinical testing. Allele origin: germline.
Comment: The p.V964A variant (also known as c.2891T>C), located in coding exon 21 of the MYH7 gene, results from a T to C substitution at nucleotide position 2891. The valine at codon 964 is replaced by alanine, an amino acid with similar properties. This variant was not reported in population based cohorts in the following databases: Database of Single Nucleotide Polymorphisms (dbSNP), NHLBI Exome Sequencing Project (ESP), and 1000 Genomes Project. In the ESP, this variant was not observed in 6503 samples (13006 alleles) with coverage at this position. Based on data from ExAC, the C allele has an overall frequency of <0.01% (1/106210). This amino acid position is highly conserved in available vertebrate species. In addition, the in silico prediction for this alteration is inconclusive. Since supporting evidence is limited at this time, the clinical significance of this variant remains unclear.

NM_000257.4(MYH7):c.2891T>C (p.Val964Ala)

Gene: MYH7 (myosin heavy chain 7; minus strand). Cytogenetic location: 14q11.2.
Variant type: single nucleotide variant.
Coding change: c.2891T>C on transcript NM_000257.4 (MANE Select); coding-DNA position 2891, T replaced by C.
Protein change: p.Val964Ala; replaces valine 964 with alanine.
Molecular consequence: missense variant.
Genome position (GRCh38, 1-based): chr14:23,423,938, A>G on the plus strand (T>C on the coding strand, the complement: MYH7 is on the minus strand). VCF-style: chr14-23423938-A-G. GRCh37 (hg19) VCF-style: chr14-23893147-A-G.
Other names: c.2891T>C (LRG_384t1); short protein forms V964A.
Identifiers: ClinVar variation 520290 (VCV000520290.5), dbSNP rs778517353, ClinGen allele CA034546.